The following is an entry in ClinVar:

ClinVar aggregate classification (germline): Likely benign (1 of 4 stars; one submission).

Submission:

CeGaT Center for Human Genetics Tuebingen
Classification: Likely benign. Last evaluated: 2026-05-01. Review status: criteria provided, single submitter. Criteria: CeGaT Center For Human Genetics Tuebingen Variant Classification Criteria Version 2. Collection method: clinical testing. Allele origin: germline. Affected: yes. Observed: 1 variant allele.
Comment: TTN: PM2:Supporting, BP4, BP7

NM_001267550.2(TTN):c.82818T>G (p.Val27606=)

Genes: TTN (titin; minus strand), TTN-AS1 (TTN antisense RNA 1; plus strand). Cytogenetic location: 2q31.2.
Variant type: single nucleotide variant.
Coding change: c.82818T>G on transcript NM_001267550.2 (MANE Select); coding-DNA position 82818, T replaced by G.
Protein change: p.Val27606=; no amino-acid change (valine 27606 retained).
Molecular consequence: synonymous variant.
Genome position (GRCh38, 1-based): chr2:178,563,314, A>C on the plus strand (T>G on the coding strand, the complement: TTN is on the minus strand). VCF-style: chr2-178563314-A-C. GRCh37 (hg19) VCF-style: chr2-179428041-A-C.
Other names: c.77895T>G, p.Val25965= (NM_001256850.1); c.55623T>G, p.Val18541= (NM_003319.4); c.75114T>G, p.Val25038= (NM_133378.4); c.55998T>G, p.Val18666= (NM_133432.3); c.56199T>G, p.Val18733= (NM_133437.4).
Identifiers: ClinVar variation 4874878 (VCV004874878.2).